The following is an entry in ClinVar:

ClinVar aggregate classification (germline): Benign (1 of 4 stars; one submission).

Submission:

Mayo Clinic Laboratories, Mayo Clinic
Classification: Benign. Last evaluated: 2024-11-07. Review status: criteria provided, single submitter. Criteria: ACMG Guidelines, 2015. Collection method: clinical testing. Allele origin: germline. Observed: 2 variant alleles.
Comment: BA1, BS2

Literature cited by the submitters: PubMed 17345602; PubMed 23315997; PubMed 30530974; PubMed 34620513.

NM_002087.3:c.-72G>T

Gene: GRN (granulin precursor; plus strand).
Variant type: single nucleotide variant.
Identifiers: ClinVar variation 4684224 (VCV004684224.1).